The following is an entry in ClinVar:

NM_002292.4(LAMB2):c.1459A>G (p.Asn487Asp)

Gene: LAMB2 (laminin subunit beta 2; minus strand). Cytogenetic location: 3p21.31.
Variant type: single nucleotide variant.
Coding change: c.1459A>G on transcript NM_002292.4 (MANE Select); coding-DNA position 1459, A replaced by G.
Protein change: p.Asn487Asp; replaces asparagine 487 with aspartic acid.
Molecular consequence: missense variant.
Genome position (GRCh38, 1-based): chr3:49,129,663, T>C on the plus strand (A>G on the coding strand, the complement: LAMB2 is on the minus strand). VCF-style: chr3-49129663-T-C. GRCh37 (hg19) VCF-style: chr3-49167096-T-C.
Other names: c.1459A>G (NM_002292.3); short protein forms N487D.
Identifiers: ClinVar variation 2928831 (VCV002928831.4), dbSNP rs1439507022, ClinGen allele CA352736972.

ClinVar aggregate classification (germline): Uncertain significance. Review status: criteria provided, multiple submitters, no conflicts (2 of 4 stars). 2 submissions from 2 submitters: Uncertain significance (2). Last evaluated 2025-08-28.

Conditions:
Inborn genetic diseases. Identifiers: MedGen C0950123, MeSH D030342.
Pierson syndrome. Also called: MICROCORIA-CONGENITAL NEPHROTIC SYNDROME. Identifiers: Orphanet 2670, MedGen C1836876, MONDO:0012184, OMIM 609049.
LAMB2-related infantile-onset nephrotic syndrome. Also called: NEPHROTIC SYNDROME, TYPE 5, WITHOUT OCULAR ABNORMALITIES; NEPHROTIC SYNDROME, TYPE 5, WITH OCULAR ABNORMALITIES; Nephrotic Syndrome, type 5. Identifiers: Orphanet 306507, MedGen C3280113, MONDO:0013621, OMIM 614199.

Allele frequency attached by ClinVar (database versions not stated): gnomAD exomes below 0.00001; TOPMed below 0.00001; gnomAD 0.00001.
gnomAD v4.1: 3 of 1,614,082 alleles (0.00019%); highest among the groups gnomAD compares: Admixed American, 0.005%; no homozygotes.

Submissions (2):

Ambry Genetics
Classification: Uncertain significance for Inborn genetic diseases. Last evaluated: 2025-08-28. Review status: criteria provided, single submitter. Criteria: Ambry Variant Classification Scheme 2023. Collection method: clinical testing. Allele origin: germline.

Labcorp Genetics (formerly Invitae), Labcorp
Classification: Uncertain significance for LAMB2-related infantile-onset nephrotic syndrome; Pierson syndrome. Last evaluated: 2023-06-28. Review status: criteria provided, single submitter. Criteria: Invitae Variant Classification Sherloc (09022015). Collection method: clinical testing. Allele origin: germline.
Comment: An algorithm developed to predict the effect of missense changes on protein structure and function (PolyPhen-2) suggests that this variant is likely to be tolerated. This variant has not been reported in the literature in individuals affected with LAMB2-related conditions. This variant is present in population databases (no rsID available, gnomAD 0.006%). This sequence change replaces asparagine, which is neutral and polar, with aspartic acid, which is acidic and polar, at codon 487 of the LAMB2 protein (p.Asn487Asp). In summary, the available evidence is currently insufficient to determine the role of this variant in disease. Therefore, it has been classified as a Variant of Uncertain Significance.